The following is an entry in ClinVar:

NM_001129.5(AEBP1):c.253G>T (p.Val85Leu)

Gene: AEBP1 (AE binding protein 1; plus strand). Cytogenetic location: 7p13.
Variant type: single nucleotide variant.
Coding change: c.253G>T on transcript NM_001129.5 (MANE Select); coding-DNA position 253, G replaced by T.
Protein change: p.Val85Leu; replaces valine 85 with leucine.
Molecular consequence: missense variant.
Genome position (GRCh38, 1-based): chr7:44,104,918, G>T. VCF-style: chr7-44104918-G-T. GRCh37 (hg19) VCF-style: chr7-44144517-G-T.
Other names: short protein forms V85L.
Identifiers: ClinVar variation 4689806 (VCV004689806.1).

ClinVar aggregate classification (germline): Uncertain significance (1 of 4 stars; one submission).

Submission:

GeneDx
Classification: Uncertain significance. Last evaluated: 2025-07-29. Review status: criteria provided, single submitter. Criteria: GeneDx Variant Classification Process June 2021. Collection method: clinical testing. Allele origin: germline. Affected: yes.
Comment: Not observed at significant frequency in large population cohorts (gnomAD); In silico analysis suggests that this missense variant does not alter protein structure/function; Has not been previously published as pathogenic or benign to our knowledge